The following is an entry in ClinVar:

NM_005633.4(SOS1):c.*2138G>T

Gene: SOS1 (SOS Ras/Rac guanine nucleotide exchange factor 1; minus strand). Cytogenetic location: 2p22.1.
Variant type: single nucleotide variant.
Coding change: c.*2138G>T on transcript NM_005633.4 (MANE Select); 2138 bases downstream of the stop codon, G replaced by T.
Molecular consequence: 3 prime UTR variant.
Genome position (GRCh38, 1-based): chr2:38,983,686, C>A on the plus strand (G>T on the coding strand, the complement: SOS1 is on the minus strand). VCF-style: chr2-38983686-C-A. GRCh37 (hg19) VCF-style: chr2-39210827-C-A.
Other names: c.*2138G>T (NM_001382394.1, NM_001382395.1).
Identifiers: ClinVar variation 897068 (VCV000897068.4), dbSNP rs184227916, ClinGen allele CA45671746.

ClinVar aggregate classification (germline): Benign/Likely benign. Review status: criteria provided, single submitter (1 of 4 stars). 2 submissions from 1 submitter: Benign (1); Likely benign (1). Last evaluated 2018-01-13.

Conditions:
Noonan syndrome 4 (NS4). Also called: NOONAN SYNDROME WITH PIGMENTED VILLONODULAR SYNOVITIS; SOS1-Related Noonan Syndrome. Identifiers: Orphanet 648, MedGen C1853120, MONDO:0012547, OMIM 610733.
Fibromatosis, gingival, 1 (GINGF1). Identifiers: Orphanet 2024, MedGen C4551558, MONDO:0007609, OMIM 135300.

Allele frequency attached by ClinVar (database versions not stated): 1000 Genomes Project 0.00060; 1000 Genomes Project 30x 0.00078; TOPMed 0.00177.

Submissions (2):

Illumina Laboratory Services, Illumina
Classification: Benign for Fibromatosis, gingival, 1. Last evaluated: 2018-01-13. Review status: criteria provided, single submitter. Criteria: ICSL Variant Classification Criteria 13 December 2019. Collection method: clinical testing. Allele origin: germline.
Comment: This variant was observed in the ICSL laboratory as part of a predisposition screen in an ostensibly healthy population. It had not been previously curated by ICSL or reported in the Human Gene Mutation Database (HGMD: prior to June 1st, 2018), and was therefore a candidate for classification through an automated scoring system. Utilizing variant allele frequency, disease prevalence and penetrance estimates, and inheritance mode, an automated score was calculated to assess if this variant is too frequent to cause the disease. Based on the score and internal cut-off values, a variant classified as benign is not then subjected to further curation. The score for this variant resulted in a classification of benign for this disease.

Illumina Laboratory Services, Illumina
Classification: Likely benign for Noonan syndrome 4. Last evaluated: 2018-01-13. Review status: criteria provided, single submitter. Criteria: ICSL Variant Classification Criteria 13 December 2019. Collection method: clinical testing. Allele origin: germline.
Comment: This variant was observed in the ICSL laboratory as part of a predisposition screen in an ostensibly healthy population. It had not been previously curated by ICSL or reported in the Human Gene Mutation Database (HGMD: prior to June 1st, 2018), and was therefore a candidate for classification through an automated scoring system. Utilizing variant allele frequency, disease prevalence and penetrance estimates, and inheritance mode, an automated score was calculated to assess if this variant is too frequent to cause the disease. Based on the score and internal cut-off values, a variant classified as likely benign is not then subjected to further curation. The score for this variant resulted in a classification of likely benign for this disease.